The following is an entry in ClinVar:

ClinVar aggregate classification (germline): Likely benign (1 of 4 stars; one submission).

Allele frequency attached by ClinVar (database versions not stated): 1000 Genomes Project 0.00080; 1000 Genomes Project 30x 0.00109; TOPMed 0.00369; gnomAD 0.00384; ExAC 0.00421; ESP Exome Variant Server 0.00446.
gnomAD v4.1: 7,236 of 1,613,992 alleles (0.45%); highest among the groups gnomAD compares: Non-Finnish European, 0.53%; 25 homozygotes.

Submission:

CeGaT Center for Human Genetics Tuebingen
Classification: Likely benign. Last evaluated: 2026-09-01. Review status: criteria provided, single submitter. Criteria: CeGaT Center For Human Genetics Tuebingen Variant Classification Criteria Version 2. Collection method: clinical testing. Allele origin: germline. Affected: yes. Observed: 5 variant alleles.
Comment: P2RY13: BP4, BS2

NM_176894.3(P2RY13):c.338C>A (p.Ala113Asp)

Genes: MED12L (mediator complex subunit 12L; plus strand), P2RY13 (purinergic receptor P2Y13; minus strand). Cytogenetic location: 3q25.1.
Variant type: single nucleotide variant.
Coding change: c.338C>A on transcript NM_176894.3 (MANE Select); coding-DNA position 338, C replaced by A.
Protein change: p.Ala113Asp; replaces alanine 113 with aspartic acid.
Molecular consequence: missense variant. On other transcripts: intron variant (2).
Genome position (GRCh38, 1-based): chr3:151,328,718, G>T on the plus strand (C>A on the coding strand, the complement: P2RY13 is on the minus strand). VCF-style: chr3-151328718-G-T. GRCh37 (hg19) VCF-style: chr3-151046506-G-T.
Other names: c.2251-21341G>T (NM_001393769.1); c.2146-21341G>T (NM_053002.6); short protein forms A113D.
Identifiers: ClinVar variation 2654232 (VCV002654232.24), dbSNP rs144128158, ClinGen allele CA2667680.